The following is an entry in ClinVar:

ClinVar aggregate classification (germline): Likely pathogenic (1 of 4 stars; one submission).

Conditions:
Progressive muscular dystrophy. Identifiers: Orphanet 206644, MedGen C4551827, MONDO:0016106.

Submission:

Myriad Genetics, Inc.
Classification: Likely pathogenic for Progressive muscular dystrophy. Last evaluated: 2020-03-06. Review status: criteria provided, single submitter. Criteria: Myriad Autosomal Dominant, Autosomal Recessive and X-Linked Classification Criteria (2023). Collection method: clinical testing. Allele origin: unknown.
Comment: NM_004006.2(DMD):c.3824T>A(L1275*) is expected to be pathogenic in the context of dystrophinopathy (including Duchenne/Becker muscular dystrophy). This variant is predicted to lead to an abnormal or absent protein product due to the creation of a premature termination codon in DMD, a gene where loss-of-function variants are known to be pathogenic. Please note: this variant was assessed in the context of healthy population screening.

NM_004006.3(DMD):c.3824T>A (p.Leu1275Ter)

Gene: DMD (dystrophin; minus strand). Cytogenetic location: Xp21.1.
Variant type: single nucleotide variant.
Coding change: c.3824T>A on transcript NM_004006.3 (MANE Select); coding-DNA position 3824, T replaced by A.
Protein change: p.Leu1275Ter; replaces leucine 1275 with a stop codon.
Molecular consequence: nonsense.
Genome position (GRCh38, 1-based): chrX:32,441,277, A>T on the plus strand (T>A on the coding strand, the complement: DMD is on the minus strand). VCF-style: chrX-32441277-A-T. GRCh37 (hg19) VCF-style: chrX-32459394-A-T.
Other names: c.3800T>A, p.Leu1267Ter (NM_000109.4); c.3812T>A, p.Leu1271Ter (NM_004009.3); c.3455T>A, p.Leu1152Ter (NM_004010.3); short protein forms L1152*, L1267*, L1271*, L1275*.
Identifiers: ClinVar variation 984107 (VCV000984107.4), dbSNP rs770934386, ClinGen allele CA412670514.